The following is an entry in ClinVar:

ClinVar aggregate classification (germline): Benign/Likely benign. Review status: criteria provided, multiple submitters, no conflicts (2 of 4 stars). 3 submissions from 3 submitters: Benign (2); Likely benign (1). Last evaluated 2024-11-27.

Conditions:
Occult macular dystrophy (OCMD). Also called: OCCULT MACULAR DYSTROPHY, SUSCEPTIBILITY TO; OMD. Identifiers: Orphanet 247834, MedGen C3150833, MONDO:0013316, OMIM 613587, HP:0030636.

Allele frequency attached by ClinVar (database versions not stated): gnomAD exomes 0.00056 and 0.00145; ExAC 0.00171; ESP Exome Variant Server 0.00575; gnomAD 0.00582 and 0.00613; 1000 Genomes Project 0.00839.

Submissions (3):

Blueprint Genetics
Classification: Likely benign. Last evaluated: 2024-11-27. Review status: criteria provided, single submitter. Criteria: ACMG Guidelines, 2015. Collection method: clinical testing. Allele origin: germline.

Illumina Laboratory Services, Illumina
Classification: Benign for Occult macular dystrophy. Last evaluated: 2018-01-12. Review status: criteria provided, single submitter. Criteria: ICSL Variant Classification Criteria 13 December 2019. Collection method: clinical testing. Allele origin: germline.
Comment: This variant was observed in the ICSL laboratory as part of a predisposition screen in an ostensibly healthy population. It had not been previously curated by ICSL or reported in the Human Gene Mutation Database (HGMD: prior to June 1st, 2018), and was therefore a candidate for classification through an automated scoring system. Utilizing variant allele frequency, disease prevalence and penetrance estimates, and inheritance mode, an automated score was calculated to assess if this variant is too frequent to cause the disease. Based on the score and internal cut-off values, a variant classified as benign is not then subjected to further curation. The score for this variant resulted in a classification of benign for this disease.

Breakthrough Genomics
Classification: Benign. Review status: criteria provided, single submitter. Criteria: ACMG Guidelines, 2015. Collection method: not provided. Allele origin: germline. Inheritance: Autosomal recessive inheritance. Affected: yes.

NM_178857.6(RP1L1):c.4105G>A (p.Glu1369Lys)

Gene: RP1L1 (RP1 like 1). Cytogenetic location: 8p23.1.
Variant type: single nucleotide variant.
Coding change: c.4105G>A on transcript NM_178857.6 (MANE Select); coding-DNA position 4105, G replaced by A.
Protein change: p.Glu1369Lys; replaces glutamic acid 1369 with lysine.
Molecular consequence: missense variant.
Genome position (GRCh38, 1-based): chr8:10,609,993, C>T on the plus strand (G>A on the coding strand, the complement: RP1L1 is on the minus strand). VCF-style: chr8-10609993-C-T. GRCh37 (hg19) VCF-style: chr8-10467503-C-T.
Other names: short protein forms E1369K.
Identifiers: ClinVar variation 909195 (VCV000909195.6), dbSNP rs116242305, ClinGen allele CA4624128.